The following is an entry in ClinVar:

ClinVar aggregate classification (germline): Uncertain significance (0 of 4 stars; one submission).

Conditions:
PARD3B-related disorder. Also called: PARD3B-related condition.

Submission:

PreventionGenetics, part of Exact Sciences
Classification: Uncertain significance for PARD3B-related condition. Last evaluated: 2024-07-06. Review status: no assertion criteria provided. Collection method: clinical testing. Allele origin: germline.
Comment: The PARD3B c.742T>G variant is predicted to result in the amino acid substitution p.Phe248Val. To our knowledge, this variant has not been reported in the literature or in a large population database, indicating this variant is rare. At this time, the clinical significance of this variant is uncertain due to the absence of conclusive functional and genetic evidence.

NM_001302769.2(PARD3B):c.742T>G (p.Phe248Val)

Gene: PARD3B (par-3 family cell polarity regulator beta; plus strand). Cytogenetic location: 2q33.3.
Variant type: single nucleotide variant.
Coding change: c.742T>G on transcript NM_001302769.2 (MANE Select); coding-DNA position 742, T replaced by G.
Protein change: p.Phe248Val; replaces phenylalanine 248 with valine.
Molecular consequence: missense variant.
Genome position (GRCh38, 1-based): chr2:205,118,982, T>G. VCF-style: chr2-205118982-T-G. GRCh37 (hg19) VCF-style: chr2-205983706-T-G.
Other names: c.742T>G, p.Phe248Val (NM_057177.7, NM_152526.6, NM_205863.4); short protein forms F248V.
Identifiers: ClinVar variation 3345136 (VCV003345136.1).